The following is an entry in ClinVar:

NM_152447.5(LRFN5):c.441C>T (p.Phe147=)

Gene: LRFN5 (leucine rich repeat and fibronectin type III domain containing 5; plus strand). Cytogenetic location: 14q21.1.
Variant type: single nucleotide variant.
Coding change: c.441C>T on transcript NM_152447.5 (MANE Select); coding-DNA position 441, C replaced by T.
Protein change: p.Phe147=; no amino-acid change (phenylalanine 147 retained).
Molecular consequence: synonymous variant. On other transcripts: non-coding transcript variant (2).
Genome position (GRCh38, 1-based): chr14:41,887,066, C>T. VCF-style: chr14-41887066-C-T. GRCh37 (hg19) VCF-style: chr14-42356269-C-T.
Other names: c.441C>T, p.Phe147= (NM_001330106.2, NM_001346173.2, NM_001346175.2).
Identifiers: ClinVar variation 3042008 (VCV003042008.2), dbSNP rs117966123, ClinGen allele CA7165410.

ClinVar aggregate classification (germline): Benign (0 of 4 stars; one submission).

Conditions:
LRFN5-related disorder. Also called: LRFN5-related condition.

Allele frequency attached by ClinVar (database versions not stated): 1000 Genomes Project 0.00559; 1000 Genomes Project 30x 0.00578; TOPMed 0.00711; gnomAD 0.00814; ESP Exome Variant Server 0.00938; ExAC 0.00995; gnomAD exomes 0.01155.
gnomAD v4.1: 18,052 of 1,614,038 alleles (1.1%); highest among the groups gnomAD compares: South Asian, 1.7%; 152 homozygotes.

Submission:

PreventionGenetics, part of Exact Sciences
Classification: Benign for LRFN5-related condition. Last evaluated: 2019-03-11. Review status: no assertion criteria provided. Collection method: clinical testing. Allele origin: germline.
Comment: This variant is classified as benign based on ACMG/AMP sequence variant interpretation guidelines (Richards et al. 2015 PMID: 25741868, with internal and published modifications).